The following is an entry in ClinVar:

ClinVar aggregate classification (germline): Benign/Likely benign. Review status: criteria provided, multiple submitters, no conflicts (2 of 4 stars). 4 submissions from 4 submitters: Benign (1); Likely benign (3). Last evaluated 2024-07-18.

Conditions:
Hereditary cancer-predisposing syndrome. Also called: Hereditary Cancer Syndrome; Neoplastic Syndromes, Hereditary; Tumor predisposition; Hereditary neoplastic syndrome. Identifiers: Orphanet 140162, MedGen C0027672, MeSH D009386, MONDO:0015356.
Familial cancer of breast. Also called: Hereditary breast cancer; BREAST CANCER, FAMILIAL; hereditary breast carcinoma. Identifiers: Orphanet 227535, MedGen C0346153, MONDO:0016419, OMIM 114480. Disease mechanism: loss of function.

gnomAD v4.1: 2 of 1,611,740 alleles (0.00012%); highest among the groups gnomAD compares: African/African-American, 0.0013%; no homozygotes.

Submissions (4):

Myriad Genetics, Inc.
Classification: Benign for Familial cancer of breast. Last evaluated: 2024-07-18. Review status: criteria provided, single submitter. Criteria: Myriad Autosomal Dominant, Autosomal Recessive and X-Linked Classification Criteria (2023). Collection method: clinical testing. Allele origin: unknown.
Comment: This variant is considered benign. This variant is a silent/synonymous amino acid change and it is not expected to impact splicing.

Labcorp Genetics (formerly Invitae), Labcorp
Classification: Likely benign for Familial cancer of breast. Last evaluated: 2023-10-04. Review status: criteria provided, single submitter. Criteria: Invitae Variant Classification Sherloc (09022015). Collection method: clinical testing. Allele origin: germline.

Ambry Genetics
Classification: Likely benign for Hereditary cancer-predisposing syndrome. Last evaluated: 2022-03-03. Review status: criteria provided, single submitter. Criteria: Ambry Variant Classification Scheme 2023. Collection method: clinical testing. Allele origin: germline.

Color Diagnostics, LLC DBA Color Health
Classification: Likely benign for Hereditary cancer-predisposing syndrome. Last evaluated: 2017-10-06. Review status: criteria provided, single submitter. Criteria: ACMG Guidelines, 2015. Collection method: clinical testing. Allele origin: germline.

NM_000465.4(BARD1):c.123C>G (p.Leu41=)

Gene: BARD1 (BRCA1 associated RING domain 1; minus strand). Cytogenetic location: 2q35.
Variant type: single nucleotide variant.
Coding change: c.123C>G on transcript NM_000465.4 (MANE Select); coding-DNA position 123, C replaced by G.
Protein change: p.Leu41=; no amino-acid change (leucine 41 retained).
Molecular consequence: synonymous variant. On other transcripts: non-coding transcript variant (3).
Genome position (GRCh38, 1-based): chr2:214,809,447, G>C on the plus strand (C>G on the coding strand, the complement: BARD1 is on the minus strand). VCF-style: chr2-214809447-G-C. GRCh37 (hg19) VCF-style: chr2-215674171-G-C.
Other names: c.123C>G, p.Leu41= (NM_001282543.2, NM_001282545.2, NM_001282548.2 and 1 more transcripts).
Identifiers: ClinVar variation 490925 (VCV000490925.18), dbSNP rs764410072, ClinGen allele CA350464932.